The following is an entry in ClinVar:

ClinVar aggregate classification (germline): Uncertain significance (1 of 4 stars; one submission).

Conditions:
STRC-related disorder. Also called: STRC-related condition.

gnomAD v4.1: 192 of 1,587,048 alleles (0.012%); highest among the groups gnomAD compares: South Asian, 0.11%; no homozygotes.

Submission:

PreventionGenetics, part of Exact Sciences
Classification: Uncertain significance for STRC-related condition. Last evaluated: 2026-06-08. Review status: criteria provided, single submitter. Criteria: ACMG Guidelines, 2015. Collection method: clinical testing. Allele origin: germline.
Comment: The STRC c.4172G>A variant is predicted to result in the amino acid substitution p.Arg1391His. To our knowledge, this variant has not been reported in the literature. This variant is reported in 0.14% of alleles in individuals of South Asian descent in gnomAD, although allele frequency data at this locus should be interpreted with caution due to paralogy. Although we suspect that this variant may be benign, at this time, the clinical significance of this variant is uncertain due to the absence of conclusive functional and genetic evidence.

NM_153700.2(STRC):c.4172G>A (p.Arg1391His)

Gene: STRC (stereocilin; minus strand). Cytogenetic location: 15q15.3.
Variant type: single nucleotide variant.
Coding change: c.4172G>A on transcript NM_153700.2 (MANE Select); coding-DNA position 4172, G replaced by A.
Protein change: p.Arg1391His; replaces arginine 1391 with histidine.
Molecular consequence: missense variant.
Genome position (GRCh38, 1-based): chr15:43,604,407, C>T on the plus strand (G>A on the coding strand, the complement: STRC is on the minus strand). VCF-style: chr15-43604407-C-T. GRCh37 (hg19) VCF-style: chr15-43896605-C-T.
Other names: short protein forms R1391H.
Identifiers: ClinVar variation 4979085 (VCV004979085.1).
Genomic context (GRCh38, chr15:43,604,407, plus strand): 5'-TTCCTTCATCTCACCCTGGGGATCAAGGAAATTGCCTCAGTAGACAGAGTGAATACTAGG[C>T]GTCCAGCTTGCTCTACTTCATCCTGGCTCCACAACTCTGGTTTCCTGGGGACAGGAAGAA-3'
Protein context (NP_714544.1, residues 1381-1401): WSQDEVEQAG[Arg1391His]LVFTLSTEAI